The following is an entry in ClinVar:

NM_144687.4(NLRP12):c.2586-3C>T

Gene: NLRP12 (NLR family pyrin domain containing 12; minus strand). Cytogenetic location: 19q13.42.
Variant type: single nucleotide variant.
Coding change: c.2586-3C>T on transcript NM_144687.4 (MANE Select); 3 bases into the intron before coding-DNA position 2586, C replaced by T.
Molecular consequence: intron variant.
Genome position (GRCh38, 1-based): chr19:53,801,400, G>A on the plus strand (C>T on the coding strand, the complement: NLRP12 is on the minus strand). VCF-style: chr19-53801400-G-A. GRCh37 (hg19) VCF-style: chr19-54304654-G-A.
Other names: c.2586-3C>T (NM_001277129.1); c.2589-3C>T (NM_001277126.2).
Identifiers: ClinVar variation 4798694 (VCV004798694.1).

ClinVar aggregate classification (germline): Uncertain significance (1 of 4 stars; one submission).

Conditions:
Familial cold autoinflammatory syndrome 2 (FCAS2). Identifiers: Orphanet 247868, MedGen C2673198, MONDO:0012724, OMIM 611762.

gnomAD v4.1: 1 of 1,611,278 alleles (0.000062%); highest among the groups gnomAD compares: Non-Finnish European, 0.000085%; no homozygotes.

Submission:

Labcorp Genetics (formerly Invitae), Labcorp
Classification: Uncertain significance for Familial cold autoinflammatory syndrome 2. Last evaluated: 2025-07-10. Review status: criteria provided, single submitter. Criteria: Invitae Variant Classification Sherloc (09022015). Collection method: clinical testing. Allele origin: germline.
Comment: This sequence change falls in intron 6 of the NLRP12 gene. It does not directly change the encoded amino acid sequence of the NLRP12 protein. It affects a nucleotide within the consensus splice site. This variant is not present in population databases (gnomAD no frequency). This variant has not been reported in the literature in individuals affected with NLRP12-related conditions. Variants that disrupt the consensus splice site are a relatively common cause of aberrant splicing (PMID: 17576681, 9536098). Algorithms developed to predict the effect of sequence changes on RNA splicing suggest that this variant is not likely to affect RNA splicing. In summary, the available evidence is currently insufficient to determine the role of this variant in disease. Therefore, it has been classified as a Variant of Uncertain Significance.

Literature cited by the submitters: PubMed 17576681; PubMed 9536098.